The following is an entry in ClinVar:

NM_004380.3(CREBBP):c.760G>A (p.Ala254Thr)

Gene: CREBBP (CREB binding lysine acetyltransferase; minus strand). Cytogenetic location: 16p13.3.
Variant type: single nucleotide variant.
Coding change: c.760G>A on transcript NM_004380.3 (MANE Select); coding-DNA position 760, G replaced by A.
Protein change: p.Ala254Thr; replaces alanine 254 with threonine.
Molecular consequence: missense variant.
Genome position (GRCh38, 1-based): chr16:3,850,335, C>T on the plus strand (G>A on the coding strand, the complement: CREBBP is on the minus strand). VCF-style: chr16-3850335-C-T. GRCh37 (hg19) VCF-style: chr16-3900336-C-T.
Other names: c.760G>A, p.Ala254Thr (NM_001079846.1); short protein forms A254T.
Identifiers: ClinVar variation 133933 (VCV000133933.46), dbSNP rs148781922, ClinGen allele CA158186.

ClinVar aggregate classification (germline): Benign/Likely benign. Review status: criteria provided, multiple submitters, no conflicts (2 of 4 stars). 8 submissions from 8 submitters: Benign (2); Likely benign (4). 2 of the submissions do not count toward it. Last evaluated 2025-12-29.

Conditions:
Rubinstein-Taybi syndrome (RSTS). Identifiers: Orphanet 783, MedGen C0035934, MONDO:0019188.
CREBBP-related disorder. Also called: CREBBP-related condition; CREBBP-related disorders.
Inborn genetic diseases. Identifiers: MedGen C0950123, MeSH D030342.

Allele frequency attached by ClinVar (database versions not stated): gnomAD exomes 0.00017 and 0.00070; ESP Exome Variant Server 0.00023; gnomAD 0.00051 and 0.00054; TOPMed 0.00063; ExAC 0.00069; 1000 Genomes Project 30x 0.00125; 1000 Genomes Project 0.00160.
gnomAD v4.1: 454 of 1,614,242 alleles (0.028%); highest among the groups gnomAD compares: East Asian, 0.53%; 2 homozygotes.

Submissions (8):

Labcorp Genetics (formerly Invitae), Labcorp
Classification: Benign for Rubinstein-Taybi syndrome. Last evaluated: 2025-12-29. Review status: criteria provided, single submitter. Criteria: Invitae Variant Classification Sherloc (09022015). Collection method: clinical testing. Allele origin: germline.

Blueprint Genetics
Classification: Likely benign. Last evaluated: 2024-11-27. Review status: criteria provided, single submitter. Criteria: ACMG Guidelines, 2015. Collection method: clinical testing. Allele origin: germline.

CeGaT Center for Human Genetics Tuebingen
Classification: Likely benign. Last evaluated: 2023-02-01. Review status: criteria provided, single submitter. Criteria: CeGaT Center For Human Genetics Tuebingen Variant Classification Criteria Version 2. Collection method: clinical testing. Allele origin: germline. Affected: yes. Observed: 3 variant alleles.
Comment: CREBBP: PP2, BP4, BS1

GeneDx
Classification: Likely benign. Last evaluated: 2021-05-21. Review status: criteria provided, single submitter. Criteria: GeneDx Variant Classification Process June 2021. Collection method: clinical testing. Allele origin: germline. Affected: yes.
Comment: This variant is associated with the following publications: (PMID: 24728327)

Ambry Genetics
Classification: Likely benign for Inborn genetic diseases. Last evaluated: 2018-09-30. Review status: criteria provided, single submitter. Criteria: Ambry Variant Classification Scheme 2023. Collection method: clinical testing. Allele origin: germline.

Eurofins Ntd Llc (ga)
Classification: Benign. Last evaluated: 2015-08-13. Review status: criteria provided, single submitter. Criteria: EGL Classification Definitions 2015. Collection method: clinical testing. Allele origin: germline. Observed: 1 variant allele, 1 heterozygote.

PreventionGenetics, part of Exact Sciences
Classification: Benign for CREBBP-related condition. Last evaluated: 2022-07-26. Review status: no assertion criteria provided. Collection method: clinical testing. Allele origin: germline. Not counted in ClinVar's aggregate classification.
Comment: This variant is classified as benign based on ACMG/AMP sequence variant interpretation guidelines (Richards et al. 2015 PMID: 25741868, with internal and published modifications).

ITMI
No classification provided. Condition: AllHighlyPenetrant. Last evaluated: 2013-09-19. Review status: no classification provided. Collection method: reference population. Allele origin: germline. Not counted in ClinVar's aggregate classification.
Comment: Please see associated publication for description of ethnicities

Literature cited by the submitters: PubMed 24728327 (cited by ITMI).